The following is an entry in ClinVar:

NM_000138.5(FBN1):c.3524T>C (p.Ile1175Thr)

Gene: FBN1 (fibrillin 1; minus strand). Cytogenetic location: 15q21.1.
Variant type: single nucleotide variant.
Coding change: c.3524T>C on transcript NM_000138.5 (MANE Select); coding-DNA position 3524, T replaced by C.
Protein change: p.Ile1175Thr; replaces isoleucine 1175 with threonine.
Molecular consequence: missense variant.
Genome position (GRCh38, 1-based): chr15:48,487,140, A>G on the plus strand (T>C on the coding strand, the complement: FBN1 is on the minus strand). VCF-style: chr15-48487140-A-G. GRCh37 (hg19) VCF-style: chr15-48779337-A-G.
Other names: c.3524T>C, p.Ile1175Thr (NM_001406716.1); short protein forms I1175T.
Identifiers: ClinVar variation 3513518 (VCV003513518.1).

ClinVar aggregate classification (germline): Uncertain significance (1 of 4 stars; one submission).

Conditions:
Familial thoracic aortic aneurysm and aortic dissection (TAAD). Also called: Thoracic aortic aneurysms and dissections. Identifiers: Orphanet 91387, MedGen C4707243, MONDO:0019625.

Submission:

Ambry Genetics
Classification: Uncertain significance for Familial thoracic aortic aneurysm and aortic dissection. Last evaluated: 2024-07-03. Review status: criteria provided, single submitter. Criteria: Ambry Variant Classification Scheme 2023. Collection method: clinical testing. Allele origin: germline.
Comment: The p.I1175T variant (also known as c.3524T>C), located in coding exon 28 of the FBN1 gene, results from a T to C substitution at nucleotide position 3524. This variant has been reported in individuals from cohorts of patients with Marfan syndrome or related features, but clinical details were limited (Collod-B&eacute;roud G et al. Nucleic Acids Res, 1998 Jan;26:229-3; Howarth R et al. Genet Test, 2007;11:146-52; Ambry internal data). The isoleucine at codon 1175 is replaced by threonine, an amino acid with similar properties. This amino acid position is not well conserved in available vertebrate species. In addition, this alteration is predicted to be deleterious by in silico analysis. Based on the available evidence, the clinical significance of this variant remains unclear.

Literature cited by the submitters: PubMed 17627385; PubMed 9399842.